The following is an entry in ClinVar:

ClinVar aggregate classification (germline): Uncertain significance. Review status: criteria provided, multiple submitters, no conflicts (2 of 4 stars). 2 submissions from 2 submitters: Uncertain significance (2). Last evaluated 2025-05-31.

Conditions:
Frasier syndrome. Identifiers: Orphanet 347, MedGen C0950122, MeSH D052159, MONDO:0007635, OMIM 136680.
Wilms tumor 1 (WT1). Also called: Wilms tumor, somatic. Identifiers: Orphanet 654, MedGen CN033288, MONDO:0008679, OMIM 194070.
11p partial monosomy syndrome (WAGR). Also called: CHROMOSOME 11p13 DELETION SYNDROME; WAGR syndrome; WAGR Complex; WAGR Spectrum Disorder. Identifiers: Orphanet 893, MedGen C0206115, MONDO:0008681, OMIM 194072.
Drash syndrome (DDS). Also called: NEPHROPATHY, WILMS TUMOR, AND GENITAL ANOMALIES; WILMS TUMOR AND PSEUDO- OR TRUE HERMAPHRODITISM. Identifiers: Orphanet 220, MedGen C0950121, MONDO:0008682, OMIM 194080.
Inborn genetic diseases. Identifiers: MedGen C0950123, MeSH D030342.

gnomAD v4.1: 2 of 1,516,018 alleles (0.00013%); highest among the groups gnomAD compares: Non-Finnish European, 0.00018%; no homozygotes.

Submissions (2):

Ambry Genetics
Classification: Uncertain significance for Inborn genetic diseases. Last evaluated: 2025-05-31. Review status: criteria provided, single submitter. Criteria: Ambry Variant Classification Scheme 2023. Collection method: clinical testing. Allele origin: germline.
Comment: The p.L76M variant (also known as c.226C>A), located in coding exon 1 of the WT1 gene, results from a C to A substitution at nucleotide position 226. The leucine at codon 76 is replaced by methionine, an amino acid with highly similar properties. This amino acid position is conserved. In addition, this alteration is predicted to be tolerated by in silico analysis. Based on the available evidence, the clinical significance of this variant remains unclear.

Labcorp Genetics (formerly Invitae), Labcorp
Classification: Uncertain significance for Wilms tumor 1; Drash syndrome; 11p partial monosomy syndrome; Frasier syndrome. Last evaluated: 2021-01-08. Review status: criteria provided, single submitter. Criteria: Invitae Variant Classification Sherloc (09022015). Collection method: clinical testing. Allele origin: germline.
Comment: In summary, the available evidence is currently insufficient to determine the role of this variant in disease. Therefore, it has been classified as a Variant of Uncertain Significance. Algorithms developed to predict the effect of missense changes on protein structure and function are either unavailable or do not agree on the potential impact of this missense change (SIFT: "Deleterious"; PolyPhen-2: "Benign"; Align-GVGD: "Class C0"). This variant has not been reported in the literature in individuals with WT1-related conditions. The frequency data for this variant in the population databases is considered unreliable, as metrics indicate insufficient coverage at this position in the ExAC database. This sequence change replaces leucine with methionine at codon 76 of the WT1 protein (p.Leu76Met). The leucine residue is highly conserved and there is a small physicochemical difference between leucine and methionine.

NM_024426.6(WT1):c.241C>A (p.Leu81Met)

Genes: WT1 (WT1 transcription factor; minus strand), LOC107982234 (WT1/WT1-AS bi-directional promoter region; plus strand). Cytogenetic location: 11p13.
Variant type: single nucleotide variant.
Coding change: c.241C>A on transcript NM_024426.6 (MANE Select); coding-DNA position 241, C replaced by A.
Protein change: p.Leu81Met; replaces leucine 81 with methionine.
Molecular consequence: missense variant. On other transcripts: non-coding transcript variant (1).
Genome position (GRCh38, 1-based): chr11:32,435,120, G>T on the plus strand (C>A on the coding strand, the complement: WT1 is on the minus strand). VCF-style: chr11-32435120-G-T. GRCh37 (hg19) VCF-style: chr11-32456666-G-T.
Other names: c.241C>A, p.Leu81Met (NM_000378.6, NM_024424.5); c.226C>A (NM_024426.4); short protein forms L81M.
Identifiers: ClinVar variation 1434868 (VCV001434868.9), dbSNP rs777617460, ClinGen allele CA379966087.